The following is an entry in ClinVar:

ClinVar aggregate classification (germline): Benign. Review status: criteria provided, multiple submitters, no conflicts (2 of 4 stars). 7 submissions from 6 submitters: Benign (5). 2 of the submissions do not count toward it. Last evaluated 2021-08-10.

Conditions:
Hereditary lymphedema type I (LMPHM1). Also called: Milroy Disease; LYMPHATIC MALFORMATION 1; Nonne-Milroy disease; Congenital hereditary lymphedema; Early onset lymphedema; Hereditary lymphedema 1. Identifiers: Orphanet 79452, MedGen C1704423, MONDO:0007919, OMIM 153100.
Congenital heart defects, multiple types, 7. Identifiers: MedGen C5394062, MONDO:0032913, OMIM 618780.

Allele frequency attached by ClinVar (database versions not stated): 1000 Genomes Project 0.58267; 1000 Genomes Project 30x 0.58417; ESP Exome Variant Server 0.59701; TOPMed 0.60841; gnomAD 0.61164 and 0.61446; ExAC 0.62474; gnomAD exomes 0.63004 and 0.63038.
gnomAD v4.1: 1,010,816 of 1,609,192 alleles (63%); highest among the groups gnomAD compares: Admixed American, 74%; 319,683 homozygotes.

Submissions (7):

Genome-Nilou Lab
Classification: Benign for Congenital heart defects, multiple types, 7. Last evaluated: 2021-08-10. Review status: criteria provided, single submitter. Criteria: ACMG Guidelines, 2015. Collection method: clinical testing. Allele origin: germline. Affected: no.

Genome-Nilou Lab
Classification: Benign for Hereditary lymphedema type I. Last evaluated: 2021-08-10. Review status: criteria provided, single submitter. Criteria: ACMG Guidelines, 2015. Collection method: clinical testing. Allele origin: germline. Affected: no.

GeneDx
Classification: Benign. Last evaluated: 2018-11-11. Review status: criteria provided, single submitter. Criteria: GeneDx Variant Classification Process June 2021. Collection method: clinical testing. Allele origin: germline. Affected: yes.

Laboratory for Molecular Medicine, Mass General Brigham Personalized Medicine
Classification: Benign. Last evaluated: 2016-03-29. Review status: criteria provided, single submitter. Criteria: LMM Criteria. Collection method: clinical testing. Allele origin: germline.
Comment: Variant identified in a genome or exome case(s) and assessed due to predicted null impact of the variant or pathogenic assertions in the literature or databases. Disclaimer: This variant has not undergone full assessment. The following are preliminary notes: 62% of total chromosomes in ExAC

PreventionGenetics, part of Exact Sciences
Classification: Benign. Review status: criteria provided, single submitter. Criteria: ACMG Guidelines, 2015. Collection method: clinical testing. Allele origin: germline.

Clinical Genetics, Academic Medical Center
Classification: Benign. Review status: no assertion criteria provided. Collection method: clinical testing. Allele origin: germline. Affected: yes. Study: VKGL Data-share Consensus. Not counted in ClinVar's aggregate classification.

Diagnostic Laboratory, Department of Genetics, University Medical Center Groningen
Classification: Benign. Review status: no assertion criteria provided. Collection method: clinical testing. Allele origin: germline. Affected: yes. Study: VKGL Data-share Consensus. Not counted in ClinVar's aggregate classification.

NM_182925.5(FLT4):c.2670C>G (p.His890Gln)

Gene: FLT4 (fms related receptor tyrosine kinase 4; minus strand). Cytogenetic location: 5q35.3.
Variant type: single nucleotide variant.
Coding change: c.2670C>G on transcript NM_182925.5 (MANE Select); coding-DNA position 2670, C replaced by G.
Protein change: p.His890Gln; replaces histidine 890 with glutamine.
Molecular consequence: missense variant.
Genome position (GRCh38, 1-based): chr5:180,619,344, G>C on the plus strand (C>G on the coding strand, the complement: FLT4 is on the minus strand). VCF-style: chr5-180619344-G-C. GRCh37 (hg19) VCF-style: chr5-180046344-G-C.
Other names: c.2670C>G, p.His890Gln (NM_001354989.2, NM_002020.5); short protein forms H890Q.
Identifiers: ClinVar variation 263039 (VCV000263039.12), dbSNP rs448012, ClinGen allele CA3606153.